The following is an entry in ClinVar:

ClinVar aggregate classification (germline): Pathogenic (1 of 4 stars; one submission).

Conditions:
Developmental and epileptic encephalopathy, 31A. Also called: Developmental and epileptic encephalopathy, 31; Epileptic encephalopathy, early infantile, 31. Identifiers: Orphanet 2382, MedGen C4225357, MONDO:0014598, OMIM 616346.

Submission:

Labcorp Genetics (formerly Invitae), Labcorp
Classification: Pathogenic for Developmental and epileptic encephalopathy, 31A. Last evaluated: 2022-09-19. Review status: criteria provided, single submitter. Criteria: Invitae Variant Classification Sherloc (09022015). Collection method: clinical testing. Allele origin: germline.
Comment: This sequence change creates a premature translational stop signal (p.Ser767Lysfs*58) in the DNM1 gene. It is expected to result in an absent or disrupted protein product. Loss-of-function variants in DNM1 are known to be pathogenic (PMID: 34172529). This variant is not present in population databases (gnomAD no frequency). This variant has not been reported in the literature in individuals affected with DNM1-related conditions. ClinVar contains an entry for this variant (Variation ID: 1443519). For these reasons, this variant has been classified as Pathogenic.

Literature cited by the submitters: PubMed 34172529.

NM_004408.4(DNM1):c.2299dup (p.Ser767fs)

Genes: DNM1 (dynamin 1; plus strand), LOC130002698 (ATAC-STARR-seq lymphoblastoid silent region 20332; plus strand). Cytogenetic location: 9q34.11.
Variant type: Duplication.
Coding change: c.2299dup on transcript NM_004408.4 (MANE Select); coding-DNA position 2299, one base duplicated (A; older notation c.2299dupA).
Protein change: p.Ser767fs; shifts the reading frame from serine 767.
Molecular consequence: frameshift variant.
Genome position (GRCh38, 1-based): chr9:128,250,337, A duplicated. VCF-style (leftmost placement, unchanged base first): chr9-128250336-G-GA. GRCh37 (hg19) VCF-style: chr9-131012615-G-GA.
Other names: c.2299dup, p.Ser767fs (NM_001005336.3, NM_001288737.2, NM_001288738.2 and 2 more transcripts); short protein forms S767fs.
Identifiers: ClinVar variation 1443519 (VCV001443519.6), dbSNP rs2131297826, ClinGen allele CA2573143883.
Genomic context (GRCh38, chr9:128,250,336, plus strand): 5'-CACGACCACCGTCAGCACGCCCATGCCCCCGCCCGTGGACGACTCCTGGCTGCAGGTGCA[G>GA]AGCGTACCGGCCGGACGCAGGTACCAGGGCCGGCCCCCACGGCCCCAAAGCCCCCCAGCC-3'